The following is an entry in ClinVar:

NM_003660.4(PPFIA3):c.2528T>A (p.Val843Glu)

Gene: PPFIA3 (PTPRF interacting protein alpha 3; plus strand). Cytogenetic location: 19q13.33.
Variant type: single nucleotide variant.
Coding change: c.2528T>A on transcript NM_003660.4 (MANE Select); coding-DNA position 2528, T replaced by A.
Protein change: p.Val843Glu; replaces valine 843 with glutamic acid.
Molecular consequence: missense variant. On other transcripts: non-coding transcript variant (1).
Genome position (GRCh38, 1-based): chr19:49,142,099, T>A. VCF-style: chr19-49142099-T-A. GRCh37 (hg19) VCF-style: chr19-49645356-T-A.
Other names: short protein forms V843E.
Identifiers: ClinVar variation 3777506 (VCV003777506.1).

ClinVar aggregate classification (germline): Uncertain significance (1 of 4 stars; one submission).

Submission:

GeneDx
Classification: Uncertain significance. Last evaluated: 2024-10-09. Review status: criteria provided, single submitter. Criteria: GeneDx Variant Classification Process June 2021. Collection method: clinical testing. Allele origin: germline. Affected: yes.
Comment: Not observed at significant frequency in large population cohorts (gnomAD); In silico analysis supports that this missense variant has a deleterious effect on protein structure/function; Has not been previously published as pathogenic or benign to our knowledge